The following is an entry in ClinVar:

ClinVar aggregate classification (germline): Pathogenic. Review status: criteria provided, multiple submitters, no conflicts (2 of 4 stars). 2 submissions from 2 submitters: Pathogenic (2). Last evaluated 2024-10-04.

Conditions:
Conjugate gaze palsy. Also called: Supranuclear ocular palsy; Gaze palsy. Identifiers: MedGen C0702143, MONDO:0001527.
Gaze palsy, familial horizontal, with progressive scoliosis 1 (HGPPS1). Identifiers: Orphanet 2744, MedGen C4551964, MONDO:0020790, OMIM 607313.

Submissions (2):

Dubai Health Genomic Medicine Center, Dubai Health
Classification: Pathogenic for Gaze palsy. Last evaluated: 2024-10-04. Review status: criteria provided, single submitter. Criteria: ACMG Guidelines, 2015. Collection method: research. Allele origin: germline. Affected: yes.
Comment: PVS1,PM2,PM3

Johns Hopkins Genomics, Johns Hopkins University
Classification: Pathogenic for Gaze palsy, familial horizontal, with progressive scoliosis 1. Last evaluated: 2022-08-31. Review status: criteria provided, single submitter. Criteria: ACMG Guidelines, 2015. Collection method: clinical testing. Allele origin: germline.
Comment: This ROBO3 variant is absent from a large population dataset and has not been reported in ClinVar. This homozygous 31-bp frameshift deletion includes the donor splice site of exon 17 and adjacent exonic and intronic sequences, which most likely results in altered splicing. This variant has been reported in the literature as c.2769_2779del11, 2779+1_+20del20 in a single Saudi Arabian family with HGPPS1. We consider c.2770_2779+21del to be pathogenic.

Literature cited by the submitters: PubMed 15105459 (cited by Johns Hopkins Genomics, Johns Hopkins University); PubMed 16525029 (cited by Johns Hopkins Genomics, Johns Hopkins University); PubMed 21850172 (cited by Johns Hopkins Genomics, Johns Hopkins University); PubMed 32373565 (cited by Johns Hopkins Genomics, Johns Hopkins University); PubMed 34374989 (cited by Johns Hopkins Genomics, Johns Hopkins University).

NM_022370.4(ROBO3):c.2770_2779+21del

Gene: ROBO3 (roundabout guidance receptor 3; plus strand). Cytogenetic location: 11q24.2.
Variant type: Deletion.
Coding change: c.2770_2779+21del on transcript NM_022370.4 (MANE Select); coding-DNA position 2770 through 21 bases into the intron after coding-DNA position 2779, 31 bases deleted.
Molecular consequence: splice donor variant.
Genome position (GRCh38, 1-based): chr11:124,876,451-124,876,481, 31 bases deleted; deleting any 31 consecutive bases within chr11:124,876,448-124,876,481 gives the same sequence; the c. name uses the placement nearest the transcript's 3' end. GRCh37 (hg19): chr11:124,746,347-124,746,377.
Other names: c.-84_-75+21del (NM_001370356.1).
Identifiers: ClinVar variation 1704392 (VCV001704392.2), dbSNP rs2497298047, ClinGen allele CA2580083772.